The following is an entry in ClinVar:

ClinVar aggregate classification (germline): Uncertain significance. Review status: criteria provided, multiple submitters, no conflicts (2 of 4 stars). 2 submissions from 2 submitters: Uncertain significance (2). Last evaluated 2025-08-03.

Conditions:
Adams-Oliver syndrome 5 (AOS5). Identifiers: Orphanet 974, MedGen C4014970, MONDO:0014459, OMIM 616028.
Aortic valve disease 1 (AOVD1). Identifiers: MedGen C3887892, MONDO:0024523, OMIM 109730.

gnomAD v4.1: 7 of 1,582,232 alleles (0.00044%); highest among the groups gnomAD compares: Non-Finnish European, 0.0006%; no homozygotes.

Submissions (2):

Labcorp Genetics (formerly Invitae), Labcorp
Classification: Uncertain significance for Adams-Oliver syndrome 5. Last evaluated: 2025-08-03. Review status: criteria provided, single submitter. Criteria: Invitae Variant Classification Sherloc (09022015). Collection method: clinical testing. Allele origin: germline.
Comment: This sequence change replaces serine, which is neutral and polar, with asparagine, which is neutral and polar, at codon 1369 of the NOTCH1 protein (p.Ser1369Asn). This variant is not present in population databases (gnomAD no frequency). This variant has not been reported in the literature in individuals affected with NOTCH1-related conditions. ClinVar contains an entry for this variant (Variation ID: 3891843). Invitae Evidence Modeling of protein sequence and biophysical properties (such as structural, functional, and spatial information, amino acid conservation, physicochemical variation, residue mobility, and thermodynamic stability) indicates that this missense variant is not expected to disrupt NOTCH1 protein function with a negative predictive value of 80%. In summary, the available evidence is currently insufficient to determine the role of this variant in disease. Therefore, it has been classified as a Variant of Uncertain Significance.

Department of Pathology and Laboratory Medicine, Sinai Health System
Classification: Uncertain significance for Aortic valve disease 1; Adams-Oliver syndrome 5. Last evaluated: 2021-07-30. Review status: criteria provided, single submitter. Criteria: ACMG Guidelines, 2015. Collection method: research. Allele origin: germline.

NM_017617.5(NOTCH1):c.4106G>A (p.Ser1369Asn)

Gene: NOTCH1 (notch receptor 1; minus strand). Cytogenetic location: 9q34.3.
Variant type: single nucleotide variant.
Coding change: c.4106G>A on transcript NM_017617.5 (MANE Select); coding-DNA position 4106, G replaced by A.
Protein change: p.Ser1369Asn; replaces serine 1369 with asparagine.
Molecular consequence: missense variant.
Genome position (GRCh38, 1-based): chr9:136,505,790, C>T on the plus strand (G>A on the coding strand, the complement: NOTCH1 is on the minus strand). VCF-style: chr9-136505790-C-T. GRCh37 (hg19) VCF-style: chr9-139400242-C-T.
Other names: short protein forms S1369N.
Identifiers: ClinVar variation 3891843 (VCV003891843.2).